The following is an entry in ClinVar:

NM_001065.4(TNFRSF1A):c.173G>T (p.Cys58Phe)

Gene: TNFRSF1A (TNF receptor superfamily member 1A; minus strand). Cytogenetic location: 12p13.31.
Variant type: single nucleotide variant.
Coding change: c.173G>T on transcript NM_001065.4 (MANE Select); coding-DNA position 173, G replaced by T.
Protein change: p.Cys58Phe; replaces cysteine 58 with phenylalanine.
Molecular consequence: missense variant. On other transcripts: 5 prime UTR variant (1), non-coding transcript variant (1), intron variant (1).
Genome position (GRCh38, 1-based): chr12:6,334,111, C>A on the plus strand (G>T on the coding strand, the complement: TNFRSF1A is on the minus strand). VCF-style: chr12-6334111-C-A. GRCh37 (hg19) VCF-style: chr12-6443277-C-A.
Other names: c.-405G>T (NM_001346092.2); c.-131-246G>T (NM_001346091.2); short protein forms C58F.
Identifiers: ClinVar variation 97651 (VCV000097651.6), dbSNP rs104895230, ClinGen allele CA280718.

ClinVar aggregate classification (germline): Pathogenic. Review status: criteria provided, single submitter (1 of 4 stars). 2 submissions from 2 submitters: Pathogenic (1). 1 of the submissions does not count toward it. Last evaluated 2022-06-09.

Conditions:
TNF receptor-associated periodic fever syndrome (TRAPS) (FPF). Also called: Autosomal Dominant Familial Periodic Fever; TNF RECEPTOR-ASSOCIATED PERIODIC SYNDROME; TUMOR NECROSIS FACTOR RECEPTOR-ASSOCIATED PERIODIC SYNDROME; TNF Receptor-Associated Periodic Fever Syndrome; FAMILIAL HIBERNIAN FEVER; TNF receptor 1-associated periodic fever syndrome. Identifiers: Orphanet 32960, MedGen C1275126, MONDO:0007727, OMIM 142680.

Allele frequency attached by ClinVar (database versions not stated): gnomAD exomes below 0.00001.

Submissions (2):

Labcorp Genetics (formerly Invitae), Labcorp
Classification: Pathogenic for TNF receptor-associated periodic fever syndrome (TRAPS). Last evaluated: 2022-06-09. Review status: criteria provided, single submitter. Criteria: Invitae Variant Classification Sherloc (09022015). Collection method: clinical testing. Allele origin: germline.
Comment: For these reasons, this variant has been classified as Pathogenic. This variant disrupts the p.Cys58 amino acid residue in TNFRSF1A. Other variant(s) that disrupt this residue have been observed in individuals with TNFRSF1A-related conditions (PMID: 11700162, 19541728, 20532935), which suggests that this may be a clinically significant amino acid residue. Advanced modeling of protein sequence and biophysical properties (such as structural, functional, and spatial information, amino acid conservation, physicochemical variation, residue mobility, and thermodynamic stability) performed at Invitae indicates that this missense variant is expected to disrupt TNFRSF1A protein function. ClinVar contains an entry for this variant (Variation ID: 97651). This variant is also known as C29F. This missense change has been observed in individuals with clinical features of necrosis factor receptor-associated periodic syndrome (PMID: 11700162, 23965844; Invitae). This variant is not present in population databases (gnomAD no frequency). This sequence change replaces cysteine, which is neutral and slightly polar, with phenylalanine, which is neutral and non-polar, at codon 58 of the TNFRSF1A protein (p.Cys58Phe).

Unité médicale des maladies autoinflammatoires, CHRU Montpellier
No classification provided. Condition: TNF receptor-associated periodic fever syndrome (TRAPS). Review status: no classification provided. Collection method: not provided. Allele origin: unknown. Not counted in ClinVar's aggregate classification.

Literature cited by the submitters: PubMed 11700162 (cited by Labcorp Genetics (formerly Invitae), Labcorp); PubMed 19541728 (cited by Labcorp Genetics (formerly Invitae), Labcorp); PubMed 20532935 (cited by Labcorp Genetics (formerly Invitae), Labcorp); PubMed 23965844 (cited by Labcorp Genetics (formerly Invitae), Labcorp).